The following is an entry in ClinVar:

ClinVar aggregate classification (germline): Uncertain significance (1 of 4 stars; one submission).

Conditions:
Immunodeficiency 39 (IMD39). Identifiers: Orphanet 574918, MedGen C4225358, MONDO:0014597, OMIM 616345.

Submission:

Labcorp Genetics (formerly Invitae), Labcorp
Classification: Uncertain significance for Immunodeficiency 39. Last evaluated: 2018-01-17. Review status: criteria provided, single submitter. Criteria: Invitae Variant Classification Sherloc (09022015). Collection method: clinical testing. Allele origin: germline.
Comment: This sequence change replaces glycine with arginine at codon 193 of the IRF7 protein (p.Gly193Arg). The glycine residue is moderately conserved and there is a moderate physicochemical difference between glycine and arginine. This variant is not present in population databases (ExAC no frequency). This variant has not been reported in the literature in individuals with IRF7-related disease. Algorithms developed to predict the effect of missense changes on protein structure and function output the following: SIFT: "Tolerated"; PolyPhen-2: "Benign"; Align-GVGD: "Class C0". The arginine amino acid residue is found in multiple mammalian species, suggesting that this missense change does not adversely affect protein function. These predictions have not been confirmed by published functional studies and their clinical significance is uncertain. In summary, the available evidence is currently insufficient to determine the role of this variant in disease. Therefore, it has been classified as a Variant of Uncertain Significance.

NM_001572.5(IRF7):c.538G>A (p.Gly180Arg)

Gene: IRF7 (interferon regulatory factor 7; minus strand). Cytogenetic location: 11p15.5.
Variant type: single nucleotide variant.
Coding change: c.538G>A on transcript NM_001572.5 (MANE Select); coding-DNA position 538, G replaced by A.
Protein change: p.Gly180Arg; replaces glycine 180 with arginine.
Molecular consequence: missense variant.
Genome position (GRCh38, 1-based): chr11:614,315, C>T on the plus strand (G>A on the coding strand, the complement: IRF7 is on the minus strand). VCF-style: chr11-614315-C-T. GRCh37 (hg19) VCF-style: chr11-614315-C-T.
Other names: c.538G>A, p.Gly180Arg (LRG_1313t1, NM_004029.4); c.577G>A, p.Gly193Arg (NM_004031.4); short protein forms G193R, G180R.
Identifiers: ClinVar variation 580743 (VCV000580743.1), dbSNP rs1564883619, ClinGen allele CA378982019.